The following is an entry in ClinVar:

ClinVar aggregate classification (germline): Uncertain significance. Review status: criteria provided, single submitter (1 of 4 stars). 2 submissions from 2 submitters: Uncertain significance (1). 1 of the submissions does not count toward it. Last evaluated 2025-08-24.

Conditions:
NCOA1-related disorder. Also called: NCOA1-related condition.

Allele frequency attached by ClinVar (database versions not stated): ExAC 0.00002; gnomAD exomes 0.00002; TOPMed 0.00003.
gnomAD v4.1: 36 of 1,614,020 alleles (0.0022%); highest among the groups gnomAD compares: African/African-American, 0.0053%; no homozygotes.

Submissions (2):

Ambry Genetics
Classification: Uncertain significance. Last evaluated: 2025-08-24. Review status: criteria provided, single submitter. Criteria: Ambry Variant Classification Scheme 2023. Collection method: clinical testing. Allele origin: germline.

PreventionGenetics, part of Exact Sciences
Classification: Uncertain significance for NCOA1-related condition. Last evaluated: 2024-01-22. Review status: no assertion criteria provided. Collection method: clinical testing. Allele origin: germline. Not counted in ClinVar's aggregate classification.
Comment: The NCOA1 c.4106A>G variant is predicted to result in the amino acid substitution p.Asn1369Ser. To our knowledge, this variant has not been reported in the literature. This variant is reported in 0.0080% of alleles in individuals of African descent in gnomAD. At this time, the clinical significance of this variant is uncertain due to the absence of conclusive functional and genetic evidence.

NM_003743.5(NCOA1):c.4106A>G (p.Asn1369Ser)

Gene: NCOA1 (nuclear receptor coactivator 1; plus strand). Cytogenetic location: 2p23.3.
Variant type: single nucleotide variant.
Coding change: c.4106A>G on transcript NM_003743.5 (MANE Select); coding-DNA position 4106, A replaced by G.
Protein change: p.Asn1369Ser; replaces asparagine 1369 with serine.
Molecular consequence: missense variant.
Genome position (GRCh38, 1-based): chr2:24,762,727, A>G. VCF-style: chr2-24762727-A-G. GRCh37 (hg19) VCF-style: chr2-24985596-A-G.
Other names: c.4106A>G, p.Asn1369Ser (NM_001362950.1, NM_001362952.1, NM_001362954.1 and 3 more transcripts); short protein forms N1369S.
Identifiers: ClinVar variation 3032460 (VCV003032460.3), dbSNP rs750935935, ClinGen allele CA1552812.